The following is an entry in ClinVar:

ClinVar aggregate classification (germline): Uncertain significance (1 of 4 stars; one submission).

Submission:

GeneDx
Classification: Uncertain significance. Last evaluated: 2024-01-02. Review status: criteria provided, single submitter. Criteria: GeneDx Variant Classification Process June 2021. Collection method: clinical testing. Allele origin: germline. Affected: yes.
Comment: Frameshift variant predicted to result in protein truncation or nonsense mediated decay in a gene for which loss-of-function is not a known mechanism of disease; Not observed at significant frequency in large population cohorts (gnomAD); Has not been previously published as pathogenic or benign to our knowledge

NM_014915.3(ANKRD26):c.1498del (p.Ile500fs)

Gene: ANKRD26 (ankyrin repeat domain containing 26; minus strand). Cytogenetic location: 10p12.1.
Variant type: Deletion.
Coding change: c.1498del on transcript NM_014915.3 (MANE Select); coding-DNA position 1498, one base deleted (A; older notation c.1498delA).
Protein change: p.Ile500fs; shifts the reading frame from isoleucine 500.
Molecular consequence: frameshift variant.
Genome position (GRCh38, 1-based): chr10:27,060,411, T deleted on the plus strand (A on the coding strand, the reverse complement: ANKRD26 is on the minus strand). VCF-style (leftmost placement, unchanged base first): chr10-27060410-AT-A. GRCh37 (hg19) VCF-style: chr10-27349339-AT-A.
Other names: c.1498del, p.Ile500fs (NM_001256053.2); c.1498delA, p.Ile500Leufs (NM_014915.2); short protein forms I500fs.
Identifiers: ClinVar variation 3367433 (VCV003367433.1).
Genomic context (GRCh38, chr10:27,060,410, plus strand): 5'-TTGGATGTTTGTACATCCTTCATTCCTCCTGCTTTATTTGGAACAGAATCTTTCATTTCA[AT>A]GGTAGGCTGAATGGGTTTTGAAACAAAATGATTAATAAATAATGTATACTTTATACAATA-3'